The following is an entry in ClinVar:

ClinVar aggregate classification (germline): Uncertain significance (1 of 4 stars; one submission).

Submission:

GeneDx
Classification: Uncertain significance. Last evaluated: 2023-06-16. Review status: criteria provided, single submitter. Criteria: GeneDx Variant Classification Process June 2021. Collection method: clinical testing. Allele origin: germline. Affected: yes.
Comment: Has not been previously published as pathogenic or benign to our knowledge; Not observed at significant frequency in large population cohorts (gnomAD); In silico analysis supports that this missense variant has a deleterious effect on protein structure/function

NM_002340.6(LSS):c.700C>G (p.Arg234Gly)

Gene: LSS (lanosterol synthase; minus strand). Cytogenetic location: 21q22.3.
Variant type: single nucleotide variant.
Coding change: c.700C>G on transcript NM_002340.6 (MANE Select); coding-DNA position 700, C replaced by G.
Protein change: p.Arg234Gly; replaces arginine 234 with glycine.
Molecular consequence: missense variant.
Genome position (GRCh38, 1-based): chr21:46,216,472, G>C on the plus strand (C>G on the coding strand, the complement: LSS is on the minus strand). VCF-style: chr21-46216472-G-C. GRCh37 (hg19) VCF-style: chr21-47636386-G-C.
Other names: c.700C>G, p.Arg234Gly (NM_001001438.3); c.667C>G, p.Arg223Gly (NM_001145436.2); c.460C>G, p.Arg154Gly (NM_001145437.2); short protein forms R154G, R223G, R234G.
Identifiers: ClinVar variation 3360063 (VCV003360063.1).